The following is an entry in ClinVar:

ClinVar aggregate classification (germline): Uncertain significance (1 of 4 stars; one submission).

Submission:

GeneDx
Classification: Uncertain significance. Last evaluated: 2026-04-12. Review status: criteria provided, single submitter. Criteria: GeneDx Variant Classification Process June 2021. Collection method: clinical testing. Allele origin: germline.
Comment: Has not been previously published as pathogenic or benign to our knowledge; Not observed at significant frequency in large population cohorts (gnomAD); Frameshift variant predicted to result in abnormal protein length as the last 2 amino acid(s) are replaced with 17 different amino acid(s) with an unclear effect on protein function

NM_198965.1(PTHLH):c.525del

Gene: PTHLH (parathyroid hormone like hormone; minus strand). Cytogenetic location: 12p11.22.
Variant type: Deletion.
Coding change: c.525del on transcript NM_198965.1; coding-DNA position 525, one base deleted (G; older notation c.525delG).
Genome position (GRCh38, 1-based): chr12:27,958,568, C deleted on the plus strand (G on the coding strand, the reverse complement: PTHLH is on the minus strand); the first of 2 consecutive C bases (chr12:27,958,568-27,958,569); deleting either gives the same sequence. VCF-style (leftmost placement, unchanged base first): chr12-27958567-TC-T. GRCh37 (hg19) VCF-style: chr12-28111500-TC-T.
Identifiers: ClinVar variation 5037740 (VCV005037740.1).